The following is an entry in ClinVar:

ClinVar aggregate classification (germline): Benign/Likely benign. Review status: criteria provided, multiple submitters, no conflicts (2 of 4 stars). 6 submissions from 6 submitters: Benign (2); Likely benign (4). Last evaluated 2026-08-01.

Conditions:
Cardiovascular phenotype. Identifiers: MedGen CN230736.
Long QT syndrome (LQTS). Identifiers: MedGen C0023976, MeSH D008133, MONDO:0002442. Disease mechanism: loss of function. Inheritance: Various modes of inheritance.
Long QT syndrome 11 (LQT11). Identifiers: Orphanet 101016, Orphanet 768, MedGen C2678483, MONDO:0012738, OMIM 611820.

Allele frequency attached by ClinVar (database versions not stated): TOPMed 0.00008; gnomAD exomes 0.00012 and 0.00015; gnomAD 0.00013 and 0.00014; ESP Exome Variant Server 0.00015; ExAC 0.00016.
gnomAD v4.1: 196 of 1,610,894 alleles (0.012%); highest among the groups gnomAD compares: Non-Finnish European, 0.014%; 1 homozygote.

Submissions (6):

CeGaT Center for Human Genetics Tuebingen
Classification: Likely benign. Last evaluated: 2026-08-01. Review status: criteria provided, single submitter. Criteria: CeGaT Center For Human Genetics Tuebingen Variant Classification Criteria Version 2. Collection method: clinical testing. Allele origin: germline. Affected: yes. Observed: 1 variant allele.
Comment: AKAP9: BP4, BP7

Labcorp Genetics (formerly Invitae), Labcorp
Classification: Likely benign for Long QT syndrome. Last evaluated: 2026-01-21. Review status: criteria provided, single submitter. Criteria: Invitae Variant Classification Sherloc (09022015). Collection method: clinical testing. Allele origin: germline.

Blueprint Genetics
Classification: Likely benign. Last evaluated: 2022-11-15. Review status: criteria provided, single submitter. Criteria: ACMG Guidelines, 2015. Collection method: clinical testing. Allele origin: germline.

Genome-Nilou Lab
Classification: Benign for Long QT syndrome 11. Last evaluated: 2021-12-05. Review status: criteria provided, single submitter. Criteria: ACMG Guidelines, 2015. Collection method: clinical testing. Allele origin: germline. Affected: no.

Women's Health and Genetics/Laboratory Corporation of America, LabCorp
Classification: Benign. Last evaluated: 2021-01-07. Review status: criteria provided, single submitter. Criteria: LabCorp Variant Classification Summary - May 2015. Collection method: clinical testing. Allele origin: germline.

Ambry Genetics
Classification: Likely benign for Cardiovascular phenotype. Last evaluated: 2019-09-02. Review status: criteria provided, single submitter. Criteria: Ambry Variant Classification Scheme 2023. Collection method: clinical testing. Allele origin: germline.

NM_005751.5(AKAP9):c.717G>A (p.Gln239=)

Gene: AKAP9 (A-kinase anchoring protein 9; plus strand). Cytogenetic location: 7q21.2.
Variant type: single nucleotide variant.
Coding change: c.717G>A on transcript NM_005751.5 (MANE Select); coding-DNA position 717, G replaced by A.
Protein change: p.Gln239=; no amino-acid change (glutamine 239 retained).
Molecular consequence: synonymous variant.
Genome position (GRCh38, 1-based): chr7:91,994,761, G>A. VCF-style: chr7-91994761-G-A. GRCh37 (hg19) VCF-style: chr7-91624075-G-A.
Other names: c.717G>A, p.Gln239= (NM_147185.3).
Identifiers: ClinVar variation 698026 (VCV000698026.16), dbSNP rs370346906, ClinGen allele CA4335889.